The following is an entry in ClinVar:

NM_017780.4(CHD7):c.6937-1G>A

Gene: CHD7 (chromodomain helicase DNA binding protein 7; plus strand). Cytogenetic location: 8q12.2.
Variant type: single nucleotide variant.
Coding change: c.6937-1G>A on transcript NM_017780.4 (MANE Select); the canonical splice acceptor site of the intron before coding-DNA position 6937, G replaced by A.
Molecular consequence: splice acceptor variant. On other transcripts: intron variant (1).
Genome position (GRCh38, 1-based): chr8:60,855,974, G>A. VCF-style: chr8-60855974-G-A. GRCh37 (hg19) VCF-style: chr8-61768533-G-A.
Other names: c.1717-6255G>A (NM_001316690.1).
Identifiers: ClinVar variation 4984519 (VCV004984519.1).

ClinVar aggregate classification (germline): Pathogenic (1 of 4 stars; one submission).

Conditions:
CHD7-related disorder. Also called: CHD7-related condition.

Submission:

PreventionGenetics, part of Exact Sciences
Classification: Pathogenic for CHD7-related condition. Last evaluated: 2025-04-17. Review status: criteria provided, single submitter. Criteria: ACMG Guidelines, 2015. Collection method: clinical testing. Allele origin: germline.
Comment: The CHD7 c.6937-1G>A variant is predicted to disrupt the AG splice acceptor site and interfere with normal splicing. This variant was reported in an individual with CHARGE syndrome (Patient MS1008 in Table S7, Aref-Eshghi et al. 2018. PubMed ID: 29304373). This variant has not been reported in a large population database, indicating this variant is rare. Variants that disrupt the consensus splice acceptor site in CHD7 are expected to be pathogenic and another variant at the same position (c.6937-1G>C) has also been reported in a patient with CHARGE syndrome (Table S1 in Janssen et al. 2012. PubMed ID: 22461308). Based on this evidence, we interpret the c.6937-1G>A variant as pathogenic.